The following is an entry in ClinVar:

ClinVar aggregate classification (germline): Uncertain significance. Review status: criteria provided, multiple submitters, no conflicts (2 of 4 stars). 2 submissions from 2 submitters: Uncertain significance (2). Last evaluated 2023-10-05.

Conditions:
Angelman syndrome (AS). Also called: HAPPY PUPPET SYNDROME. Identifiers: Orphanet 72, MedGen C0162635, MONDO:0007113, OMIM 105830. Disease mechanism: loss of function. Inheritance: AS is caused by disruption of maternally imprinted UBE3A located within the 15q11.2-q13 Angelman syndrome/Prader-Willi syndrome (AS/PWS) region., imprinting disorder.

Allele frequency attached by ClinVar (database versions not stated): gnomAD exomes below 0.00001; gnomAD 0.00001; TOPMed 0.00001.
gnomAD v4.1: 3 of 1,613,858 alleles (0.00019%); highest among the groups gnomAD compares: Non-Finnish European, 0.00025%; no homozygotes.

Submissions (2):

Labcorp Genetics (formerly Invitae), Labcorp
Classification: Uncertain significance for Angelman syndrome. Last evaluated: 2023-10-05. Review status: criteria provided, single submitter. Criteria: Invitae Variant Classification Sherloc (09022015). Collection method: clinical testing. Allele origin: germline.
Comment: This sequence change replaces histidine, which is basic and polar, with asparagine, which is neutral and polar, at codon 369 of the UBE3A protein (p.His369Asn). This variant is not present in population databases (gnomAD no frequency). This variant has not been reported in the literature in individuals affected with UBE3A-related conditions. ClinVar contains an entry for this variant (Variation ID: 1202828). Advanced modeling of protein sequence and biophysical properties (such as structural, functional, and spatial information, amino acid conservation, physicochemical variation, residue mobility, and thermodynamic stability) performed at Invitae indicates that this missense variant is expected to disrupt UBE3A protein function. In summary, the available evidence is currently insufficient to determine the role of this variant in disease. Therefore, it has been classified as a Variant of Uncertain Significance.

GeneDx
Classification: Uncertain significance. Last evaluated: 2016-10-31. Review status: criteria provided, single submitter. Criteria: GeneDx Variant Classification Process June 2021. Collection method: clinical testing. Allele origin: germline. Affected: yes.
Comment: Not observed in large population cohorts (Lek et al., 2016; McVean et al., 2012; Exome Variant Server); The majority of missense variants in this gene are considered pathogenic (Stenson et al., 2014)

NM_130839.5(UBE3A):c.1165C>A (p.His389Asn)

Genes: SNHG14 (small nucleolar RNA host gene 14; plus strand), UBE3A (ubiquitin protein ligase E3A; minus strand). Cytogenetic location: 15q11.2.
Variant type: single nucleotide variant.
Coding change: c.1165C>A on transcript NM_130839.5 (MANE Select); coding-DNA position 1165, C replaced by A.
Protein change: p.His389Asn; replaces histidine 389 with asparagine.
Molecular consequence: missense variant. On other transcripts: non-coding transcript variant (1), intron variant (2).
Genome position (GRCh38, 1-based): chr15:25,371,009, G>T on the plus strand (C>A on the coding strand, the complement: UBE3A is on the minus strand). VCF-style: chr15-25371009-G-T. GRCh37 (hg19) VCF-style: chr15-25616156-G-T.
Other names: c.1105C>A, p.His369Asn (NM_001354541.2, NM_001354542.2, NM_001354543.2 and 17 more transcripts); c.1165C>A, p.His389Asn (NM_001354545.2, NM_001354505.1, NM_001354538.2); c.988C>A, p.His330Asn (NM_001354546.2); c.1174C>A, p.His392Asn (NM_000462.5); c.301+4456C>A (NM_001354551.2); c.361+4456C>A (NM_001354550.2); short protein forms H330N, H369N, H389N, H392N.
Identifiers: ClinVar variation 1202828 (VCV001202828.6), dbSNP rs928551764, ClinGen allele CA267785496.